The following is an entry in ClinVar:

GRCh37/hg19 Xq21.1-22.3(chrX:77574432-106660031)x1

Genes: APOOL (apolipoprotein O like; plus strand), ARL13A (ARF like GTPase 13A; plus strand), ARMCX1 (armadillo repeat containing X-linked 1; plus strand), ARMCX2 (armadillo repeat containing X-linked 2; minus strand), ARMCX3 (armadillo repeat containing X-linked 3; plus strand) and 104 more. Cytogenetic location: Xq21.1-22.3.
Variant type: copy number loss.
Change: copy number 1 of chrX:77,574,432-106,660,031 (29.09 Mb, GRCh37 coordinates, 1-based), cytogenetic band Xq21.1-22.3.
Identifiers: ClinVar variation 4683020 (VCV004683020.1).

ClinVar aggregate classification (germline): Pathogenic (1 of 4 stars; one submission).

Submission:

Quest Diagnostics Nichols Institute San Juan Capistrano
Classification: Pathogenic. Last evaluated: 2024-09-23. Review status: criteria provided, single submitter. Criteria: ACMG/ClinGen CNV Guidelines, 2019. Collection method: clinical testing. Allele origin: unknown.
Comment: This deletion involves a large portion of Xq and numerous genes associated with X-linked disorders in OMIM. Males with smaller deletions have been reported with phenotypes including intellectual disability, hearing loss, movement disorders, and vision loss (Bonati 2024, Liang 2017). The phenotype of large Xq deletions in females can range from partial Turner syndrome to minor menstrual abnormality (Mercer 2018). There are no similar copy number losses spanning this region in the general populations of the Database of Genomic Variants. Thus, this copy number variant (CNV) is classified as pathogenic with clinical presentation in a female likely dependent upon X-inactivation status. References: Bonati et al., Genes (Basel). 2024 May 23;15(6):677. PMID: 38927613 Liang et al., Mol Cytogenet. 2017 Jun 14:10:23. PMID: 28630650 Mercer et al., Eur J Med Genet. 2013 Jan;56(1):1-6. PMID: 23059468